The following is an entry in ClinVar:

ClinVar aggregate classification (germline): Pathogenic (1 of 4 stars; one submission).

Conditions:
Leber congenital amaurosis 2 (LCA2). Also called: AMAUROSIS CONGENITA OF LEBER II; Autosomal Recessive RPE65-Related Retinal Degeneration. Identifiers: Orphanet 65, MedGen C1859844, MONDO:0008765, OMIM 204100. Disease mechanism: loss of function.
Retinitis pigmentosa 20 (RP20). Identifiers: Orphanet 791, MedGen C3151086, MONDO:0013425, OMIM 613794.

Submission:

Labcorp Genetics (formerly Invitae), Labcorp
Classification: Pathogenic for Leber congenital amaurosis 2; Retinitis pigmentosa 20. Last evaluated: 2022-08-08. Review status: criteria provided, single submitter. Criteria: Invitae Variant Classification Sherloc (09022015). Collection method: clinical testing. Allele origin: germline.
Comment: For these reasons, this variant has been classified as Pathogenic. This premature translational stop signal has been observed in individual(s) with autosomal recessive RPE65-related conditions (PMID: 30268864, 32865313). This variant is not present in population databases (gnomAD no frequency). This sequence change creates a premature translational stop signal (p.Glu21*) in the RPE65 gene. It is expected to result in an absent or disrupted protein product. Loss-of-function variants in RPE65 are known to be pathogenic (PMID: 9326941, 9501220, 9843205, 18632300).

Literature cited by the submitters: PubMed 30268864; PubMed 32865313; PubMed 9326941; PubMed 9501220; PubMed 9843205; PubMed 18632300.

NM_000329.3(RPE65):c.61G>T (p.Glu21Ter)

Gene: RPE65 (retinoid isomerohydrolase RPE65; minus strand). Cytogenetic location: 1p31.3.
Variant type: single nucleotide variant.
Coding change: c.61G>T on transcript NM_000329.3 (MANE Select); coding-DNA position 61, G replaced by T.
Protein change: p.Glu21Ter; replaces glutamic acid 21 with a stop codon.
Molecular consequence: nonsense.
Genome position (GRCh38, 1-based): chr1:68,448,657, C>A on the plus strand (G>T on the coding strand, the complement: RPE65 is on the minus strand). VCF-style: chr1-68448657-C-A. GRCh37 (hg19) VCF-style: chr1-68914340-C-A.
Other names: c.61G>T, p.Glu21Ter (NM_001406853.1, NM_001406859.1, NM_001406860.1); c.-65G>T (NM_001406856.1); short protein forms E21*.
Identifiers: ClinVar variation 2151878 (VCV002151878.4), dbSNP rs2523458378, ClinGen allele CA340750196.